The following is an entry in ClinVar:

ClinVar aggregate classification (germline): Likely benign. Review status: criteria provided, multiple submitters, no conflicts (2 of 4 stars). 4 submissions from 4 submitters: Likely benign (3). 1 of the submissions does not count toward it. Last evaluated 2025-04-22.

Conditions:
CREBBP-related disorder. Also called: CREBBP-related condition; CREBBP-related disorders.
Rubinstein-Taybi syndrome (RSTS). Identifiers: Orphanet 783, MedGen C0035934, MONDO:0019188.
Inborn genetic diseases. Identifiers: MedGen C0950123, MeSH D030342.

Allele frequency attached by ClinVar (database versions not stated): gnomAD 0.00004; TOPMed 0.00006; ExAC 0.00009; ESP Exome Variant Server 0.00015; gnomAD exomes 0.00017.
gnomAD v4.1: 241 of 1,614,028 alleles (0.015%); highest among the groups gnomAD compares: South Asian, 0.022%; no homozygotes.

Submissions (4):

Ambry Genetics
Classification: Likely benign for Inborn genetic diseases. Last evaluated: 2025-04-22. Review status: criteria provided, single submitter. Criteria: Ambry Variant Classification Scheme 2023. Collection method: clinical testing. Allele origin: germline.

Labcorp Genetics (formerly Invitae), Labcorp
Classification: Likely benign for Rubinstein-Taybi syndrome. Last evaluated: 2024-11-05. Review status: criteria provided, single submitter. Criteria: Invitae Variant Classification Sherloc (09022015). Collection method: clinical testing. Allele origin: germline.

Blueprint Genetics
Classification: Likely benign. Last evaluated: 2024-05-07. Review status: criteria provided, single submitter. Criteria: ACMG Guidelines, 2015. Collection method: clinical testing. Allele origin: germline.

PreventionGenetics, part of Exact Sciences
Classification: Likely benign for CREBBP-related condition. Last evaluated: 2023-07-15. Review status: no assertion criteria provided. Collection method: clinical testing. Allele origin: germline. Not counted in ClinVar's aggregate classification.
Comment: This variant is classified as likely benign based on ACMG/AMP sequence variant interpretation guidelines (Richards et al. 2015 PMID: 25741868, with internal and published modifications).

NM_004380.3(CREBBP):c.1750T>C (p.Ser584Pro)

Gene: CREBBP (CREB binding lysine acetyltransferase; minus strand). Cytogenetic location: 16p13.3.
Variant type: single nucleotide variant.
Coding change: c.1750T>C on transcript NM_004380.3 (MANE Select); coding-DNA position 1750, T replaced by C.
Protein change: p.Ser584Pro; replaces serine 584 with proline.
Molecular consequence: missense variant.
Genome position (GRCh38, 1-based): chr16:3,780,805, A>G on the plus strand (T>C on the coding strand, the complement: CREBBP is on the minus strand). VCF-style: chr16-3780805-A-G. GRCh37 (hg19) VCF-style: chr16-3830806-A-G.
Other names: c.1636T>C, p.Ser546Pro (NM_001079846.1); short protein forms S584P, S546P.
Identifiers: ClinVar variation 1779395 (VCV001779395.9), dbSNP rs141279921, ClinGen allele CA7870362.
Genomic context (GRCh38, chr16:3,780,805, plus strand): 5'-GATGGCTCCGCAGGTCCTGAGTGACATGTTCGTGCCAGCCTTTCCTTACACCGGTGCTAG[A>G]AGGAGGAGCTGCTGTTGGTATAGTGCTGAGGGTTCCAATGTTACCAGAGTTGGAGCCATC-3'
Protein context (NP_004371.2, residues 574-594): LSTIPTAAPP[Ser584Pro]STGVRKGWHE